The following is an entry in ClinVar:

NM_018972.4(GDAP1):c.928C>T (p.Arg310Trp)

Gene: GDAP1 (ganglioside induced differentiation associated protein 1; plus strand). Cytogenetic location: 8q21.11.
Variant type: single nucleotide variant.
Coding change: c.928C>T on transcript NM_018972.4 (MANE Select); coding-DNA position 928, C replaced by T.
Protein change: p.Arg310Trp; replaces arginine 310 with tryptophan.
Molecular consequence: missense variant. On other transcripts: intron variant (1).
Genome position (GRCh38, 1-based): chr8:74,364,218, C>T. VCF-style: chr8-74364218-C-T. GRCh37 (hg19) VCF-style: chr8-75276453-C-T.
Other names: c.724C>T, p.Arg242Trp (NM_001040875.4); c.601C>T, p.Arg201Trp (NM_001362929.2, NM_001362932.2); c.754C>T, p.Arg252Trp (NM_001362930.2); c.694+1165C>T (NM_001362931.2); c.928C>T (NM_018972.2); short protein forms R310W, R201W, R242W, R252W.
Identifiers: ClinVar variation 1457963 (VCV001457963.7), dbSNP rs538389475, ClinGen allele CA179735451.
Genomic context (GRCh38, chr8:74,364,218, plus strand): 5'-AACAAGGTTTTAGGACATGTCAACAATATATTAATCTCTGCAGTGCTGCCAACAGCATTC[C>T]GGGTGGCCAAGAAAAGGGCCCCAAAAGTTCTTGGCACGACCCTTGTGGTTGGTTTGCTTG-3'
Protein context (NP_061845.2, residues 300-320): LISAVLPTAF[Arg310Trp]VAKKRAPKVL

ClinVar aggregate classification (germline): Pathogenic. Review status: criteria provided, multiple submitters, no conflicts (2 of 4 stars). 2 submissions from 2 submitters: Pathogenic (2). Last evaluated 2026-05-14.

Conditions:
Charcot-Marie-Tooth disease type 4A. Also called: Charcot-Marie-Tooth disease, demyelinating, autosomal recessive, type 4a. Identifiers: Orphanet 99948, MedGen C1859198, MONDO:0008961, OMIM 214400.
GDAP1-related disorder. Also called: GDAP1-related condition; GDAP1-related disorders.

Allele frequency attached by ClinVar (database versions not stated): gnomAD exomes 0.00001; TOPMed 0.00002; gnomAD 0.00003 and 0.00004.
gnomAD v4.1: 21 of 1,614,110 alleles (0.0013%); highest among the groups gnomAD compares: African/African-American, 0.008%; no homozygotes.

Submissions (2):

PreventionGenetics, part of Exact Sciences
Classification: Pathogenic for GDAP1-related condition. Last evaluated: 2026-05-14. Review status: criteria provided, single submitter. Criteria: ACMG Guidelines, 2015. Collection method: clinical testing. Allele origin: germline.
Comment: The GDAP1 c.928C>T variant is predicted to result in the amino acid substitution p.Arg310Trp. This variant has been reported in the compound heterozygous state with another GDAP1 variant in an individual with Charcot-Marie-Tooth disease (Yoshimura et al. 2017. PubMed ID: 28244113). This variant is reported in 0.0040% of alleles in individuals of African descent in gnomAD. An alternate missense change at the same amino acid position (p.Arg310Gln) has also been reported in individuals with autosomal recessive Charcot-Marie-Tooth disease (Azzedine et al. 2003. PubMed ID: 12868504; Niemann et al. 2009. PubMed ID: 19782751). This variant is interpreted as pathogenic for autosomal recessive GDAP1-related disorders.

Labcorp Genetics (formerly Invitae), Labcorp
Classification: Pathogenic for Charcot-Marie-Tooth disease type 4A. Last evaluated: 2024-06-21. Review status: criteria provided, single submitter. Criteria: Invitae Variant Classification Sherloc (09022015). Collection method: clinical testing. Allele origin: germline.
Comment: This sequence change replaces arginine, which is basic and polar, with tryptophan, which is neutral and slightly polar, at codon 310 of the GDAP1 protein (p.Arg310Trp). This variant is present in population databases (rs538389475, gnomAD 0.004%). This missense change has been observed in individual(s) with autosomal recessive Charcot-Marie-Tooth disease (PMID: 28244113). In at least one individual the data is consistent with being in trans (on the opposite chromosome) from a pathogenic variant. ClinVar contains an entry for this variant (Variation ID: 1457963). An algorithm developed to predict the effect of missense changes on protein structure and function (PolyPhen-2) suggests that this variant is likely to be disruptive. This variant disrupts the p.Arg310 amino acid residue in GDAP1. Other variant(s) that disrupt this residue have been determined to be pathogenic (PMID: 12868504, 16172208, 19340293, 19782751, 21965300). This suggests that this residue is clinically significant, and that variants that disrupt this residue are likely to be disease-causing. For these reasons, this variant has been classified as Pathogenic.

Literature cited by the submitters: PubMed 28244113 (cited by Labcorp Genetics (formerly Invitae), Labcorp); PubMed 12868504 (cited by Labcorp Genetics (formerly Invitae), Labcorp); PubMed 16172208 (cited by Labcorp Genetics (formerly Invitae), Labcorp); PubMed 19340293 (cited by Labcorp Genetics (formerly Invitae), Labcorp); PubMed 19782751 (cited by Labcorp Genetics (formerly Invitae), Labcorp); PubMed 21965300 (cited by Labcorp Genetics (formerly Invitae), Labcorp).